The following is an entry in ClinVar:

ClinVar aggregate classification (germline): Uncertain significance (1 of 4 stars; one submission).

Submission:

Labcorp Genetics (formerly Invitae), Labcorp
Classification: Uncertain significance. Last evaluated: 2023-06-06. Review status: criteria provided, single submitter. Criteria: Invitae Variant Classification Sherloc (09022015). Collection method: clinical testing. Allele origin: germline.
Comment: In summary, the available evidence is currently insufficient to determine the role of this variant in disease. Therefore, it has been classified as a Variant of Uncertain Significance. Advanced modeling of protein sequence and biophysical properties (such as structural, functional, and spatial information, amino acid conservation, physicochemical variation, residue mobility, and thermodynamic stability) performed at Invitae indicates that this missense variant is not expected to disrupt AFG3L2 protein function. This variant has not been reported in the literature in individuals affected with AFG3L2-related conditions. This variant is not present in population databases (gnomAD no frequency). This sequence change replaces leucine, which is neutral and non-polar, with valine, which is neutral and non-polar, at codon 19 of the AFG3L2 protein (p.Leu19Val).

NM_006796.3(AFG3L2):c.55C>G (p.Leu19Val)

Gene: AFG3L2 (AFG3 like matrix AAA peptidase subunit 2; minus strand). Cytogenetic location: 18p11.21.
Variant type: single nucleotide variant.
Coding change: c.55C>G on transcript NM_006796.3 (MANE Select); coding-DNA position 55, C replaced by G.
Protein change: p.Leu19Val; replaces leucine 19 with valine.
Molecular consequence: missense variant.
Genome position (GRCh38, 1-based): chr18:12,377,028, G>C on the plus strand (C>G on the coding strand, the complement: AFG3L2 is on the minus strand). VCF-style: chr18-12377028-G-C. GRCh37 (hg19) VCF-style: chr18-12377027-G-C.
Other names: short protein forms L19V.
Identifiers: ClinVar variation 2693786 (VCV002693786.3), dbSNP rs901175385, ClinGen allele CA401955561.